The following is an entry in ClinVar:

NM_000138.5(FBN1):c.3964+2T>C

Gene: FBN1 (fibrillin 1; minus strand). Cytogenetic location: 15q21.1.
Variant type: single nucleotide variant.
Coding change: c.3964+2T>C on transcript NM_000138.5 (MANE Select); the canonical splice donor site of the intron after coding-DNA position 3964, T replaced by C.
Molecular consequence: splice donor variant.
Genome position (GRCh38, 1-based): chr15:48,481,653, A>G on the plus strand (T>C on the coding strand, the complement: FBN1 is on the minus strand). VCF-style: chr15-48481653-A-G. GRCh37 (hg19) VCF-style: chr15-48773850-A-G.
Other names: c.3964+2T>C (NM_001406716.1).
Identifiers: ClinVar variation 2942104 (VCV002942104.3), dbSNP rs2505533141, ClinGen allele CA392322182.

ClinVar aggregate classification (germline): Pathogenic (1 of 4 stars; one submission).

Conditions:
Marfan syndrome (MFS). Also called: MARFAN SYNDROME, TYPE I; Marfan syndrome type 1; Marfan's syndrome; Marfan syndrome, classic; FBN1-Related Marfan Syndrome. Identifiers: Orphanet 284963, Orphanet 558, MedGen C0024796, MONDO:0007947, OMIM 154700.
Familial thoracic aortic aneurysm and aortic dissection (TAAD). Also called: Thoracic aortic aneurysms and dissections. Identifiers: Orphanet 91387, MedGen C4707243, MONDO:0019625.

Submission:

Labcorp Genetics (formerly Invitae), Labcorp
Classification: Pathogenic for Marfan syndrome; Familial thoracic aortic aneurysm and aortic dissection. Last evaluated: 2022-12-06. Review status: criteria provided, single submitter. Criteria: Invitae Variant Classification Sherloc (09022015). Collection method: clinical testing. Allele origin: germline.
Comment: This sequence change affects a donor splice site in intron 32 of the FBN1 gene. It is expected to disrupt RNA splicing. Variants that disrupt the donor or acceptor splice site typically lead to a loss of protein function (PMID: 16199547), and loss-of-function variants in FBN1 are known to be pathogenic (PMID: 17657824, 19293843). This variant is not present in population databases (gnomAD no frequency). Disruption of this splice site has been observed in individual(s) with Marfan syndrome (PMID: 33578525). Algorithms developed to predict the effect of sequence changes on RNA splicing suggest that this variant may disrupt the consensus splice site. For these reasons, this variant has been classified as Pathogenic.

Literature cited by the submitters: PubMed 16199547; PubMed 17657824; PubMed 19293843; PubMed 33578525.